The following is an entry in ClinVar:

ClinVar aggregate classification (germline): Uncertain significance (1 of 4 stars; one submission).

Conditions:
Multiple congenital anomalies-hypotonia-seizures syndrome 1 (MCAHS1). Also called: PIGN-CDG; Congenital disorder of glycosylation due to PIGN deficiency; GLYCOSYLPHOSPHATIDYLINOSITOL BIOSYNTHESIS DEFECT 3. Identifiers: Orphanet 280633, MedGen C3279775, MONDO:0013563, OMIM 614080.

Allele frequency attached by ClinVar (database versions not stated): ExAC 0.00002.

Submission:

Labcorp Genetics (formerly Invitae), Labcorp
Classification: Uncertain significance for Multiple congenital anomalies-hypotonia-seizures syndrome 1. Last evaluated: 2022-07-20. Review status: criteria provided, single submitter. Criteria: Invitae Variant Classification Sherloc (09022015). Collection method: clinical testing. Allele origin: germline.
Comment: This variant has not been reported in the literature in individuals affected with PIGN-related conditions. The frequency data for this variant in the population databases is considered unreliable, as metrics indicate poor data quality at this position in the gnomAD database. This sequence change replaces arginine, which is basic and polar, with glutamine, which is neutral and polar, at codon 587 of the PIGN protein (p.Arg587Gln). Algorithms developed to predict the effect of missense changes on protein structure and function output the following: SIFT: "Tolerated"; PolyPhen-2: "Benign"; Align-GVGD: "Class C0". The glutamine amino acid residue is found in multiple mammalian species, which suggests that this missense change does not adversely affect protein function. In summary, the available evidence is currently insufficient to determine the role of this variant in disease. Therefore, it has been classified as a Variant of Uncertain Significance.

NM_176787.5(PIGN):c.1760G>A (p.Arg587Gln)

Gene: PIGN (phosphatidylinositol glycan anchor biosynthesis class N; minus strand). Cytogenetic location: 18q21.33.
Variant type: single nucleotide variant.
Coding change: c.1760G>A on transcript NM_176787.5 (MANE Select); coding-DNA position 1760, G replaced by A.
Protein change: p.Arg587Gln; replaces arginine 587 with glutamine.
Molecular consequence: missense variant.
Genome position (GRCh38, 1-based): chr18:62,106,796, C>T on the plus strand (G>A on the coding strand, the complement: PIGN is on the minus strand). VCF-style: chr18-62106796-C-T. GRCh37 (hg19) VCF-style: chr18-59774029-C-T.
Other names: c.1760G>A, p.Arg587Gln (NM_012327.6); short protein forms R587Q.
Identifiers: ClinVar variation 2165800 (VCV002165800.2), dbSNP rs749775086, ClinGen allele CA8982183.